The following is an entry in ClinVar:

ClinVar aggregate classification (germline): Uncertain significance (1 of 4 stars; one submission).

gnomAD v4.1: 14 of 1,613,592 alleles (0.00087%); highest among the groups gnomAD compares: Middle Eastern, 0.017%; no homozygotes.

Submission:

Labcorp Genetics (formerly Invitae), Labcorp
Classification: Uncertain significance. Last evaluated: 2022-04-01. Review status: criteria provided, single submitter. Criteria: Invitae Variant Classification Sherloc (09022015). Collection method: clinical testing. Allele origin: germline.
Comment: In summary, the available evidence is currently insufficient to determine the role of this variant in disease. Therefore, it has been classified as a Variant of Uncertain Significance. Advanced modeling of protein sequence and biophysical properties (such as structural, functional, and spatial information, amino acid conservation, physicochemical variation, residue mobility, and thermodynamic stability) performed at Invitae indicates that this missense variant is not expected to disrupt COL11A1 protein function. This variant has not been reported in the literature in individuals affected with COL11A1-related conditions. This variant is not present in population databases (gnomAD no frequency). This sequence change replaces proline, which is neutral and non-polar, with serine, which is neutral and polar, at codon 1077 of the COL11A1 protein (p.Pro1077Ser).

NM_001854.4(COL11A1):c.3229C>T (p.Pro1077Ser)

Gene: COL11A1 (collagen type XI alpha 1 chain; minus strand). Cytogenetic location: 1p21.1.
Variant type: single nucleotide variant.
Coding change: c.3229C>T on transcript NM_001854.4 (MANE Select); coding-DNA position 3229, C replaced by T.
Protein change: p.Pro1077Ser; replaces proline 1077 with serine.
Molecular consequence: missense variant. On other transcripts: non-coding transcript variant (1).
Genome position (GRCh38, 1-based): chr1:102,946,896, G>A on the plus strand (C>T on the coding strand, the complement: COL11A1 is on the minus strand). VCF-style: chr1-102946896-G-A. GRCh37 (hg19) VCF-style: chr1-103412452-G-A.
Other names: c.2881C>T, p.Pro961Ser (NM_001168249.1, NM_080630.4); c.3112C>T, p.Pro1038Ser (NM_001190709.2); c.3265C>T, p.Pro1089Ser (NM_080629.3); short protein forms P961S, P1077S, P1038S, P1089S.
Identifiers: ClinVar variation 2189990 (VCV002189990.4), dbSNP rs144562769, ClinGen allele CA341171090.